The following is an entry in ClinVar:

NM_001252024.2(TRPM1):c.1262C>T (p.Pro421Leu)

Gene: TRPM1 (transient receptor potential cation channel subfamily M member 1; minus strand). Cytogenetic location: 15q13.3.
Variant type: single nucleotide variant.
Coding change: c.1262C>T on transcript NM_001252024.2 (MANE Select); coding-DNA position 1262, C replaced by T.
Protein change: p.Pro421Leu; replaces proline 421 with leucine.
Molecular consequence: missense variant.
Genome position (GRCh38, 1-based): chr15:31,060,545, G>A on the plus strand (C>T on the coding strand, the complement: TRPM1 is on the minus strand). VCF-style: chr15-31060545-G-A. GRCh37 (hg19) VCF-style: chr15-31352748-G-A.
Other names: c.1313C>T, p.Pro438Leu (NM_001252020.2); c.1196C>T, p.Pro399Leu (NM_002420.6); short protein forms P421L, P438L, P399L.
Identifiers: ClinVar variation 934803 (VCV000934803.6), dbSNP rs1298928345, ClinGen allele CA391521202.

ClinVar aggregate classification (germline): Uncertain significance. Review status: criteria provided, multiple submitters, no conflicts (2 of 4 stars). 2 submissions from 2 submitters: Uncertain significance (2). Last evaluated 2024-06-13.

Allele frequency attached by ClinVar (database versions not stated): gnomAD 0.00001; gnomAD exomes 0.00001.
gnomAD v4.1: 11 of 1,613,578 alleles (0.00068%); highest among the groups gnomAD compares: South Asian, 0.0044%; no homozygotes.

Submissions (2):

Blueprint Genetics
Classification: Uncertain significance. Last evaluated: 2024-06-13. Review status: criteria provided, single submitter. Criteria: ACMG Guidelines, 2015. Collection method: clinical testing. Allele origin: germline.

Labcorp Genetics (formerly Invitae), Labcorp
Classification: Uncertain significance. Last evaluated: 2022-06-13. Review status: criteria provided, single submitter. Criteria: Invitae Variant Classification Sherloc (09022015). Collection method: clinical testing. Allele origin: germline.
Comment: This sequence change replaces proline, which is neutral and non-polar, with leucine, which is neutral and non-polar, at codon 399 of the TRPM1 protein (p.Pro399Leu). This variant is present in population databases (no rsID available, gnomAD 0.007%). This variant has not been reported in the literature in individuals affected with TRPM1-related conditions. ClinVar contains an entry for this variant (Variation ID: 934803). Algorithms developed to predict the effect of missense changes on protein structure and function (SIFT, PolyPhen-2, Align-GVGD) all suggest that this variant is likely to be disruptive. Algorithms developed to predict the effect of sequence changes on RNA splicing suggest that this variant may disrupt the consensus splice site. In summary, the available evidence is currently insufficient to determine the role of this variant in disease. Therefore, it has been classified as a Variant of Uncertain Significance.